The following is an entry in ClinVar:

NM_004004.6(GJB2):c.131G>A (p.Trp44Ter)

Gene: GJB2 (gap junction protein beta 2; minus strand). Cytogenetic location: 13q12.11.
Variant type: single nucleotide variant.
Coding change: c.131G>A on transcript NM_004004.6 (MANE Select); coding-DNA position 131, G replaced by A.
Protein change: p.Trp44Ter; replaces tryptophan 44 with a stop codon.
Molecular consequence: nonsense.
Genome position (GRCh38, 1-based): chr13:20,189,451, C>T on the plus strand (G>A on the coding strand, the complement: GJB2 is on the minus strand). VCF-style: chr13-20189451-C-T. GRCh37 (hg19) VCF-style: chr13-20763590-C-T.
Other names: GJB2, TRP44TER (rs104894413); short protein forms W44*.
Identifiers: ClinVar variation 188830 (VCV000188830.37), dbSNP rs104894413, ClinGen allele CA274012.

ClinVar aggregate classification (germline): Pathogenic. Review status: criteria provided, multiple submitters, no conflicts (2 of 4 stars). 18 submissions from 17 submitters: Pathogenic (16). 2 of the submissions do not count toward it. Last evaluated 2026-03-18.

Conditions:
Inborn genetic diseases. Identifiers: MedGen C0950123, MeSH D030342.
GJB2-related disorder. Also called: GJB2-related condition; GJB2-related disorders. Identifiers: MedGen CN382183, MONDO:1060236.
Autosomal dominant keratitis-ichthyosis-hearing loss syndrome. Also called: Senter syndrome; KID SYNDROME, AUTOSOMAL DOMINANT; HID SYNDROME. Identifiers: Orphanet 477, MedGen C0265336, MONDO:0007850, OMIM 148210.
Autosomal recessive nonsyndromic hearing loss 1A (DFNB1A). Also called: GJB2-Related Autosomal Recessive Nonsyndromic Hearing Loss; GJB6-Related DFNB 1 Nonsyndromic Hearing Loss and Deafness; Connexin 26 deafness; Deafness nonsyndromic, Connexin 26 linked; Nonsyndromic Hearing Loss and Deafness, DFNB1; Deafness, autosomal recessive 1A. Identifiers: Orphanet 90636, MedGen C2673759, MONDO:0009076, OMIM 220290.
Palmoplantar keratoderma-deafness syndrome. Also called: Keratoderma palmoplantar, with deafness; Palmoplantar keratoderma and sensorineural deafness; Hereditary palmoplantar keratoderma with deafness (subtype); Focal palmoplantar keratoderma with sensorineural deafness (subtype); Diffuse palmoplantar keratoderma with deafness (subtype). Identifiers: Orphanet 2202, MedGen C1835672, MONDO:0007852, OMIM 148350.
Ichthyosis, hystrix-like, with hearing loss. Also called: Hystrix-like ichthyosis with deafness. Identifiers: Orphanet 477, MedGen C1865234, MONDO:0011245.
Knuckle pads, deafness AND leukonychia syndrome. Also called: Bart-Pumphrey syndrome. Identifiers: Orphanet 2698, MedGen C0266004, MONDO:0007866, OMIM 149200.
Autosomal dominant nonsyndromic hearing loss 3A. Identifiers: Orphanet 90635, MedGen C2675750, MONDO:0011103, OMIM 601544.
X-linked mixed hearing loss with perilymphatic gusher. Also called: Gusher syndrome; NANCE DEAFNESS; PERILYMPHATIC GUSHER-DEAFNESS SYNDROME; SENSORINEURAL DEAFNESS, PROFOUND, WITH OR WITHOUT A CONDUCTIVE COMPONENT, ASSOCIATED WITH A UNIQUE DEVELOPMENTAL ABNORMALITY OF THE EAR; Deafness, X-linked 2. Identifiers: Orphanet 383, MedGen C1844678, MONDO:0010576, OMIM 304400.
Mutilating keratoderma (VOWNKL). Also called: Keratoderma hereditarium mutilans. Identifiers: Orphanet 494, MedGen C0265964, MONDO:0007422, OMIM 124500.

Allele frequency attached by ClinVar (database versions not stated): gnomAD exomes 0.00002 and 0.00001; gnomAD 0.00001; ExAC 0.00001; TOPMed 0.00002.
gnomAD v4.1: 10 of 1,613,034 alleles (0.00062%); highest among the groups gnomAD compares: Admixed American, 0.017%; no homozygotes.

Submissions 1 to 8 of 18:

PreventionGenetics, part of Exact Sciences
Classification: Pathogenic for GJB2-related condition. Last evaluated: 2026-03-18. Review status: criteria provided, single submitter. Criteria: ACMG Guidelines, 2015. Collection method: clinical testing. Allele origin: germline.
Comment: The GJB2 c.131G>A variant is predicted to result in premature protein termination (p.Trp44*). This variant was reported in the homozygous and compound heterozygous states in multiple patients with nonsyndromic hearing loss and has been described as a founder variant in the Mayan population of Guatemala (Tang et al. 2006. PubMed ID: 17041943; Carranza et al. 2015. PubMed ID: 26346709; Adadey et al. 2019. PubMed ID: 31620164). This variant is reported in 0.017% of alleles in individuals of Latino descent in gnomAD. Nonsense variants in GJB2 are expected to be pathogenic. This variant is interpreted as pathogenic.

Labcorp Genetics (formerly Invitae), Labcorp
Classification: Pathogenic. Last evaluated: 2026-01-14. Review status: criteria provided, single submitter. Criteria: Invitae Variant Classification Sherloc (09022015). Collection method: clinical testing. Allele origin: germline.
Comment: This sequence change creates a premature translational stop signal (p.Trp44*) in the GJB2 gene. While this is not anticipated to result in nonsense mediated decay, it is expected to disrupt the last 183 amino acid(s) of the GJB2 protein. This variant is present in population databases (rs104894413, gnomAD 0.02%). This premature translational stop signal has been observed in individual(s) with autosomal recessive GJB2-related conditions (PMID: 26346709, 31620164). ClinVar contains an entry for this variant (Variation ID: 188830). This variant disrupts a region of the GJB2 protein in which other variant(s) (p.Trp172*) have been determined to be pathogenic (PMID: 23668481, 26399936, 29773520). This suggests that this is a clinically significant region of the protein, and that variants that disrupt it are likely to be disease-causing. For these reasons, this variant has been classified as Pathogenic.

Natera, Inc.
Classification: Pathogenic for Autosomal recessive deafness type 1A. Last evaluated: 2025-09-22. Review status: criteria provided, single submitter. Criteria: Natera Variant Classification Schema (03/2026). Collection method: clinical testing. Allele origin: germline.
Comment: The c.131G>A variant in GJB2 is a nonsense variant predicted to introduce a stop codon at amino acid 44. This variant is expected to result in nonsense mediated decay, truncation, or a dysfunctional protein product. This variant is rare in the general population with a frequency below the threshold expected for the associated phenotype(s). This variant has been observed in one or more individuals affected with the associated recessive disease, as either homozygous or compound heterozygous with a second variant (PMID: 21131880, 11102979). Given the available evidence, this variant is classified as Pathogenic.

Fulgent Genetics
Classification: Pathogenic for Mutilating keratoderma; Autosomal dominant keratitis-ichthyosis-hearing loss syndrome; Palmoplantar keratoderma-deafness syndrome; Knuckle pads, deafness AND leukonychia syndrome; Autosomal recessive nonsyndromic hearing loss 1A; Autosomal dominant nonsyndromic hearing loss 3A. Last evaluated: 2024-06-03. Review status: criteria provided, single submitter. Criteria: ACMG Guidelines, 2015. Collection method: clinical testing. Allele origin: germline.

GeneDx
Classification: Pathogenic. Last evaluated: 2021-12-07. Review status: criteria provided, single submitter. Criteria: GeneDx Variant Classification Process June 2021. Collection method: clinical testing. Allele origin: germline. Affected: yes.
Comment: Nonsense variant in the C-terminus predicted to result in protein truncation, as the last 183 amino acids are lost, and other loss-of-function variants have been reported downstream in the Human Gene Mutation Database (Stenson et al., 2014); A different nucleotide change (c.132 G>A) leading to the same nonsense variant has been reported as pathogenic in the published literature and at GeneDx in association with autosomal recessive nonsyndromic hearing loss (Green et al., 1999; Roux et al., 2004; Angeli et al., 2008; Mirna et al., 2015); This variant is associated with the following publications: (PMID: 11102979, 21131880, 10376574, 17041943, 26553399, 16380907, 12325027, 24774219, 21287563, 26582918, 26346709, 15070423, 18758381, 24077912, 27535533)

Illumina Laboratory Services, Illumina
Classification: Pathogenic for Autosomal recessive nonsyndromic hearing loss 1A. Last evaluated: 2020-11-12. Review status: criteria provided, single submitter. Criteria: ICSLVariantClassificationCriteria RUGD 01 April 2020. Collection method: clinical testing. Allele origin: unknown.
Comment: The GJB2 c.131G>A (p.Trp44Ter) variant is a stop-gained variant that is predicted to result in a premature termination of the protein. The p.Trp44Ter variant has been reported in a homozygous state in six individuals with hearing loss and is noted to be a founder variant in the Guatemalan population (Carranza et al. 2016). The variant is also found in a compound heterozygous state with other predicted loss of function variants in at least two affected individuals (Tang et al. 2006). This variant is found at a frequency of in the 0.000174 in the Latino population of the Genome Aggregation Database. Based on the collective evidence and application of the ACMG criteria, the p.Trp44Ter variant is classified as pathogenic for autosomal recessive non-syndromic hearing loss.

Blueprint Genetics
Classification: Pathogenic for GJB2-related disorders. Last evaluated: 2020-04-07. Review status: criteria provided, single submitter. Criteria: ACMG Guidelines, 2015. Collection method: clinical testing. Allele origin: germline. Affected: yes. Observed: 2 variant alleles.

Baylor Genetics
Classification: Pathogenic for Autosomal recessive nonsyndromic hearing loss 1A. Last evaluated: 2019-09-25. Review status: criteria provided, single submitter. Criteria: ACMG Guidelines, 2015. Collection method: clinical testing. Allele origin: unknown. Affected: yes.
Comment: This variant was determined to be pathogenic according to ACMG Guidelines, 2015 [PMID:25741868].